The following is an entry in ClinVar:

NM_001130009.3(GEN1):c.117G>T (p.Gln39His)

Gene: GEN1 (GEN1 structure-specific endonuclease; plus strand). Cytogenetic location: 2p24.2.
Variant type: single nucleotide variant.
Coding change: c.117G>T on transcript NM_001130009.3 (MANE Select); coding-DNA position 117, G replaced by T.
Protein change: p.Gln39His; replaces glutamine 39 with histidine.
Molecular consequence: missense variant.
Genome position (GRCh38, 1-based): chr2:17,760,060, G>T. VCF-style: chr2-17760060-G-T. GRCh37 (hg19) VCF-style: chr2-17941327-G-T.
Other names: c.117G>T, p.Gln39His (NM_182625.5); short protein forms Q39H.
Identifiers: ClinVar variation 4671466 (VCV004671466.1).
Genomic context (GRCh38, chr2:17,760,060, plus strand): 5'-GCGTAATCTTGGTGGGAAAACCATTGCAGTTGATCTGAGTCTCTGGGTGTGTGAGGCACA[G>T]ACAGTCAAAAAAATGATGGGCAGCGTCATGAAGCCCCACCTCAGGTATAGTAAAAGCTCT-3'
Protein context (NP_001123481.3, residues 29-49): VDLSLWVCEA[Gln39His]TVKKMMGSVM

ClinVar aggregate classification (germline): Uncertain significance (1 of 4 stars; one submission).

Submission:

Ambry Genetics
Classification: Uncertain significance. Last evaluated: 2025-10-12. Review status: criteria provided, single submitter. Criteria: Ambry Variant Classification Scheme 2023. Collection method: clinical testing. Allele origin: germline.
Comment: The p.Q39H variant (also known as c.117G>T), located in coding exon 1 of the GEN1 gene, results from a G to T substitution at nucleotide position 117. The glutamine at codon 39 is replaced by histidine, an amino acid with highly similar properties. This amino acid position is conserved. In addition, the in silico prediction for this alteration is inconclusive. Based on the available evidence, the clinical significance of this variant remains unclear.